The following is an entry in ClinVar:

NM_001083962.2(TCF4):c.1147-930A>G

Gene: TCF4 (transcription factor 4; minus strand). Cytogenetic location: 18q21.2.
Variant type: single nucleotide variant.
Coding change: c.1147-930A>G on transcript NM_001083962.2 (MANE Select); 930 bases into the intron before coding-DNA position 1147, A replaced by G.
Molecular consequence: intron variant.
Genome position (GRCh38, 1-based): chr18:55,255,630, T>C on the plus strand (A>G on the coding strand, the complement: TCF4 is on the minus strand). VCF-style: chr18-55255630-T-C. GRCh37 (hg19) VCF-style: chr18-52922861-T-C.
Other names: c.1453-930A>G (NM_001243226.3); c.1072-930A>G (NM_001369584.1, NM_001369576.1, NM_001369577.1 and 6 more transcripts); c.1075-930A>G (NM_001369582.1, NM_001243227.2, NM_001369583.1 and 5 more transcripts); c.1078-930A>G (NM_001369586.1); c.1147-930A>G (NM_001369571.1, NM_001369567.1, NM_001369572.1 and 2 more transcripts); c.1165-930A>G (NM_001243228.2); c.1138-930A>G (NM_001243230.2); c.1144-930A>G (NM_001369569.1, NM_001369573.1, NM_001369570.1 and 2 more transcripts); and 6 more.
Identifiers: ClinVar variation 4813358 (VCV004813358.1).
Genomic context (GRCh38, chr18:55,255,630, plus strand): 5'-TCATTTTAAAAACTGATCAATAATGATATCAAATACCACTCTCCAGTGTACACTTTAAAA[T>C]ATACCATCTCATTGATCCTTGTTTCACGTGTGTATGGGCAGGCAGGGAAGACATTATGAT-3'

ClinVar aggregate classification (germline): Likely pathogenic (1 of 4 stars; one submission).

Conditions:
Pitt-Hopkins syndrome (PTHS). Also called: ENCEPHALOPATHY, SEVERE EPILEPTIC, WITH AUTONOMIC DYSFUNCTION; MENTAL RETARDATION, SYNDROMAL, WITH INTERMITTENT HYPERVENTILATION. Identifiers: Orphanet 2896, MedGen C1970431, MONDO:0012589, OMIM 610954.

Submission:

Groupe Hospitalier Pitie Salpetriere, Uf Genomique Du Developpement, Assistance Publique Hopitaux de Paris Sorbonne Université
Classification: Likely pathogenic for Pitt-Hopkins syndrome. Last evaluated: 2021-12-01. Review status: criteria provided, single submitter. Criteria: ACMG Guidelines, 2015. Collection method: clinical testing, in vitro. Allele origin: germline, not applicable. Affected: yes. Functional consequence: retained intron.
Comment: This variant is found de novo (PS2), functional studies show a damaging effect on the gene or gene product (PS3) and absent or extremely rare in population databases (PM2_supp)